The following is an entry in ClinVar:

ClinVar aggregate classification (germline): Uncertain significance (1 of 4 stars; one submission).

Conditions:
Inborn genetic diseases. Identifiers: MedGen C0950123, MeSH D030342.

Submission:

Ambry Genetics
Classification: Uncertain significance for Inborn genetic diseases. Last evaluated: 2024-10-15. Review status: criteria provided, single submitter. Criteria: Ambry Variant Classification Scheme 2023. Collection method: clinical testing. Allele origin: germline.
Comment: The p.V430L variant (also known as c.1288G>T), located in coding exon 4 of the SMAD6 gene, results from a G to T substitution at nucleotide position 1288. The valine at codon 430 is replaced by leucine, an amino acid with highly similar properties. This amino acid position is conserved. In addition, this alteration is predicted to be deleterious by in silico analysis. Based on the available evidence, the clinical significance of this variant remains unclear.

NM_005585.5(SMAD6):c.1288G>T (p.Val430Leu)

Gene: SMAD6 (SMAD family member 6; plus strand). Cytogenetic location: 15q22.31.
Variant type: single nucleotide variant.
Coding change: c.1288G>T on transcript NM_005585.5 (MANE Select); coding-DNA position 1288, G replaced by T.
Protein change: p.Val430Leu; replaces valine 430 with leucine.
Molecular consequence: missense variant. On other transcripts: non-coding transcript variant (1).
Genome position (GRCh38, 1-based): chr15:66,781,332, G>T. VCF-style: chr15-66781332-G-T. GRCh37 (hg19) VCF-style: chr15-67073670-G-T.
Other names: short protein forms V430L.
Identifiers: ClinVar variation 3445899 (VCV003445899.1).